The following is an entry in ClinVar:

ClinVar aggregate classification (germline): Uncertain significance (1 of 4 stars; one submission).

Conditions:
ANKRD1-related dilated cardiomyopathy. Identifiers: MedGen CN119551.

Submission:

Labcorp Genetics (formerly Invitae), Labcorp
Classification: Uncertain significance for ANKRD1-related dilated cardiomyopathy. Last evaluated: 2022-10-08. Review status: criteria provided, single submitter. Criteria: Invitae Variant Classification Sherloc (09022015). Collection method: clinical testing. Allele origin: germline.
Comment: This sequence change replaces proline, which is neutral and non-polar, with threonine, which is neutral and polar, at codon 110 of the ANKRD1 protein (p.Pro110Thr). This variant is not present in population databases (gnomAD no frequency). This variant has not been reported in the literature in individuals affected with ANKRD1-related conditions. Advanced modeling of protein sequence and biophysical properties (such as structural, functional, and spatial information, amino acid conservation, physicochemical variation, residue mobility, and thermodynamic stability) performed at Invitae indicates that this missense variant is not expected to disrupt ANKRD1 protein function. In summary, the available evidence is currently insufficient to determine the role of this variant in disease. Therefore, it has been classified as a Variant of Uncertain Significance.

NM_014391.3(ANKRD1):c.328C>A (p.Pro110Thr)

Gene: ANKRD1 (ankyrin repeat domain 1; minus strand). Cytogenetic location: 10q23.31.
Variant type: single nucleotide variant.
Coding change: c.328C>A on transcript NM_014391.3 (MANE Select); coding-DNA position 328, C replaced by A.
Protein change: p.Pro110Thr; replaces proline 110 with threonine.
Molecular consequence: missense variant.
Genome position (GRCh38, 1-based): chr10:90,919,148, G>T on the plus strand (C>A on the coding strand, the complement: ANKRD1 is on the minus strand). VCF-style: chr10-90919148-G-T. GRCh37 (hg19) VCF-style: chr10-92678905-G-T.
Other names: short protein forms P110T.
Identifiers: ClinVar variation 1979223 (VCV001979223.4), dbSNP rs200061926, ClinGen allele CA377552433.
Genomic context (GRCh38, chr10:90,919,148, plus strand): 5'-ACACTGGACATGTATTACTGGAAACCAAAAAAAAAGCCCTTACAATGATTTCAGGTTCTG[G>T]TTCCTTTACAACTGGAACTTTAGTTTTCCTGTATTTTTTCCTTTTCTTCAGTTGAATGAT-3'
Protein context (NP_055206.2, residues 100-120): RKTKVPVVKE[Pro110Thr]EPEIITEPVD